The following is an entry in ClinVar:

NM_001164508.2(NEB):c.21579C>T (p.His7193=)

Genes: NEB (nebulin; minus strand), RIF1 (replication timing regulatory factor 1; plus strand). Cytogenetic location: 2q23.3.
Variant type: single nucleotide variant.
Coding change: c.21579C>T on transcript NM_001164508.2 (MANE Select); coding-DNA position 21579, C replaced by T.
Protein change: p.His7193=; no amino-acid change (histidine 7193 retained).
Molecular consequence: synonymous variant.
Genome position (GRCh38, 1-based): chr2:151,531,045, G>A on the plus strand (C>T on the coding strand, the complement: NEB is on the minus strand). VCF-style: chr2-151531045-G-A. GRCh37 (hg19) VCF-style: chr2-152387559-G-A.
Other names: c.21579C>T, p.His7193= (NM_001164507.2); c.21684C>T, p.His7228= (NM_001271208.2); c.16476C>T, p.His5492= (NM_004543.5).
Identifiers: ClinVar variation 465553 (VCV000465553.16), dbSNP rs372877088, ClinGen allele CA1906933.

ClinVar aggregate classification (germline): Likely benign. Review status: criteria provided, multiple submitters, no conflicts (2 of 4 stars). 3 submissions from 3 submitters: Likely benign (2). 1 of the submissions does not count toward it. Last evaluated 2026-01-24.

Conditions:
Nemaline myopathy 2 (NEM2). Also called: Nemaline myopathy 2, autosomal recessive. Identifiers: MedGen C1850569, MONDO:0009725, OMIM 256030.
NEB-related disorder. Also called: NEB-Related Disorders; NEB-related condition.

Allele frequency attached by ClinVar (database versions not stated): gnomAD 0.00011 and 0.00013; ESP Exome Variant Server 0.00016; TOPMed 0.00017; ExAC 0.00033; gnomAD exomes 0.00035 and 0.00040.
gnomAD v4.1: 518 of 1,613,528 alleles (0.032%); highest among the groups gnomAD compares: South Asian, 0.1%; no homozygotes.

Submissions (3):

Labcorp Genetics (formerly Invitae), Labcorp
Classification: Likely benign for Nemaline myopathy 2. Last evaluated: 2026-01-24. Review status: criteria provided, single submitter. Criteria: Invitae Variant Classification Sherloc (09022015). Collection method: clinical testing. Allele origin: germline.

Blueprint Genetics
Classification: Likely benign. Last evaluated: 2024-02-28. Review status: criteria provided, single submitter. Criteria: ACMG Guidelines, 2015. Collection method: clinical testing. Allele origin: germline.

PreventionGenetics, part of Exact Sciences
Classification: Likely benign for NEB-related condition. Last evaluated: 2022-10-03. Review status: no assertion criteria provided. Collection method: clinical testing. Allele origin: germline. Not counted in ClinVar's aggregate classification.
Comment: This variant is classified as likely benign based on ACMG/AMP sequence variant interpretation guidelines (Richards et al. 2015 PMID: 25741868, with internal and published modifications).